The following is an entry in ClinVar:

ClinVar aggregate classification (germline): Uncertain significance (1 of 4 stars; one submission).

gnomAD v4.1: 2 of 1,601,912 alleles (0.00012%); highest among the groups gnomAD compares: Non-Finnish European, 0.00017%; no homozygotes.

Submission:

CeGaT Center for Human Genetics Tuebingen
Classification: Uncertain significance. Last evaluated: 2026-05-01. Review status: criteria provided, single submitter. Criteria: CeGaT Center For Human Genetics Tuebingen Variant Classification Criteria Version 2. Collection method: clinical testing. Allele origin: germline. Affected: yes. Observed: 1 variant allele.
Comment: AP1G1: PP2

NM_001128.6(AP1G1):c.484G>C (p.Val162Leu)

Gene: AP1G1 (adaptor related protein complex 1 subunit gamma 1; minus strand). Cytogenetic location: 16q22.2.
Variant type: single nucleotide variant.
Coding change: c.484G>C on transcript NM_001128.6 (MANE Select); coding-DNA position 484, G replaced by C.
Protein change: p.Val162Leu; replaces valine 162 with leucine.
Molecular consequence: missense variant.
Genome position (GRCh38, 1-based): chr16:71,771,237, C>G on the plus strand (G>C on the coding strand, the complement: AP1G1 is on the minus strand). VCF-style: chr16-71771237-C-G. GRCh37 (hg19) VCF-style: chr16-71805140-C-G.
Other names: c.484G>C, p.Val162Leu (NM_001030007.2); short protein forms V162L.
Identifiers: ClinVar variation 4873626 (VCV004873626.2).
Genomic context (GRCh38, chr16:71,771,237, plus strand): 5'-AATTTTTTGTTGCTGGTAAAAACATCTCCATAAGTTCAGGAACTTTCCTGATGACATGAA[C>G]AGCACACAGTGCTGCCTATGAAAAAAAAAATAAAAGAACAAAAGGTTTATTTCAATTATG-3'
Protein context (NP_001119.3, residues 152-172): YLRKKAALCA[Val162Leu]HVIRKVPELM